The following is an entry in ClinVar:

ClinVar aggregate classification (germline): Uncertain significance (1 of 4 stars; one submission).

Submission:

GeneDx
Classification: Uncertain significance. Last evaluated: 2019-07-24. Review status: criteria provided, single submitter. Criteria: GeneDx Variant Classification Process June 2021. Collection method: clinical testing. Allele origin: germline. Affected: yes.
Comment: Not observed in large population cohorts (Lek et al., 2016); In silico analysis, which includes protein predictors and evolutionary conservation, supports a deleterious effect; Has not been previously published as pathogenic or benign to our knowledge

NM_001365276.2(TNXB):c.10300C>T (p.Pro3434Ser)

Genes: TNXB (tenascin XB; minus strand), LOC126859654 (P300/CBP strongly-dependent group 1 enhancer GRCh37_chr6:32014364-32015563; plus strand). Cytogenetic location: 6p21.33.
Variant type: single nucleotide variant.
Coding change: c.10300C>T on transcript NM_001365276.2 (MANE Select); coding-DNA position 10300, C replaced by T.
Protein change: p.Pro3434Ser; replaces proline 3434 with serine.
Molecular consequence: missense variant.
Genome position (GRCh38, 1-based): chr6:32,047,758, G>A on the plus strand (C>T on the coding strand, the complement: TNXB is on the minus strand). VCF-style: chr6-32047758-G-A. GRCh37 (hg19) VCF-style: chr6-32015535-G-A.
Other names: c.10294C>T, p.Pro3432Ser (NM_019105.8); short protein forms P3432S, P3434S.
Identifiers: ClinVar variation 1304068 (VCV001304068.2), dbSNP rs2151889695, ClinGen allele CA363531082.